The following is an entry in ClinVar:

NM_025137.4(SPG11):c.4636-3A>G

Gene: SPG11 (SPG11 vesicle trafficking associated, spatacsin; minus strand). Cytogenetic location: 15q21.1.
Variant type: single nucleotide variant.
Coding change: c.4636-3A>G on transcript NM_025137.4 (MANE Select); 3 bases into the intron before coding-DNA position 4636, A replaced by G.
Molecular consequence: intron variant.
Genome position (GRCh38, 1-based): chr15:44,592,441, T>C on the plus strand (A>G on the coding strand, the complement: SPG11 is on the minus strand). VCF-style: chr15-44592441-T-C. GRCh37 (hg19) VCF-style: chr15-44884639-T-C.
Other names: c.4636-3A>G (NM_001160227.2).
Identifiers: ClinVar variation 1043584 (VCV001043584.8), dbSNP rs1433545924, ClinGen allele CA617678340.
Genomic context (GRCh38, chr15:44,592,441, plus strand): 5'-AATTCCTGAAGAACATACACAGTTCATACATCTCCATCACCAGTAGTAACGGGGAATCCT[T>C]TGACAAAGAGTTTGAAAAAAATTACAAAATTTTGAACTTAATATTTTTTCAATGAATAAT-3'

ClinVar aggregate classification (germline): Uncertain significance. Review status: criteria provided, multiple submitters, no conflicts (2 of 4 stars). 2 submissions from 2 submitters: Uncertain significance (2). Last evaluated 2020-06-04.

Conditions:
Inborn genetic diseases. Identifiers: MedGen C0950123, MeSH D030342.
Hereditary spastic paraplegia 11. Also called: Spastic paraplegia, mental retardation and thin corpus callosum; SPASTIC PARAPLEGIA, AUTOSOMAL RECESSIVE, COMPLICATED, WITH THIN CORPUS CALLOSUM; SPASTIC PARAPLEGIA, AUTOSOMAL RECESSIVE, WITH MENTAL IMPAIRMENT AND THIN CORPUS CALLOSUM; Spastic Paraplegia 11; Nakamura Osame syndrome; Autosomal recessive hereditary spastic paraplegia, mental impairment, and thin corpus callosum. Identifiers: Orphanet 2822, MedGen C1858479, MONDO:0011445, OMIM 604360.

Allele frequency attached by ClinVar (database versions not stated): gnomAD exomes below 0.00001.
gnomAD v4.1: 2 of 1,557,012 alleles (0.00013%); highest among the groups gnomAD compares: Non-Finnish European, 0.00018%; no homozygotes.

Submissions (2):

Labcorp Genetics (formerly Invitae), Labcorp
Classification: Uncertain significance for Hereditary spastic paraplegia 11. Last evaluated: 2020-06-04. Review status: criteria provided, single submitter. Criteria: Invitae Variant Classification Sherloc (09022015). Collection method: clinical testing. Allele origin: germline.
Comment: In summary, the available evidence is currently insufficient to determine the role of this variant in disease. Therefore, it has been classified as a Variant of Uncertain Significance. Nucleotide substitutions within the consensus splice site are a relatively common cause of aberrant splicing (PMID: 17576681, 9536098). Experimental studies have shown that this variant disrupts mRNA splicing (PMID: 26183056). This variant has been observed in individual(s) with hereditary spastic paraplegia (PMID: 26183056). This variant is not present in population databases (ExAC no frequency). This sequence change falls in intron 26 of the SPG11 gene. It does not directly change the encoded amino acid sequence of the SPG11 protein, but it affects a nucleotide within the consensus splice site of the intron.

Ambry Genetics
Classification: Uncertain significance for Inborn genetic diseases. Last evaluated: 2020-03-23. Review status: criteria provided, single submitter. Criteria: Ambry Variant Classification Scheme 2023. Collection method: clinical testing. Allele origin: germline.
Comment: The c.4636-3A>G intronic variant results from an A to G substitution 3 nucleotides upstream from coding exon 27 in the SPG11 gene. RNA data from cultured skin fibroblasts of this patient demonstrated that the c.4636-3A>G alteration led to multiple alternative transcripts in cDNA with at least some transcripts harboring an additional insertion of two nucleotides AG (Rubegni A et al. J. Neurol., 2015 Aug;262:1987-9). This nucleotide position is highly conserved in available vertebrate species. Using the BDGP and ESEfinder splice site prediction tools, this alteration is predicted to abolish the native splice acceptor site and create a new alternate acceptor site at two nucleotides upstream of the native acceptor site. Since supporting evidence is limited at this time, the clinical significance of this alteration remains unclear.

Literature cited by the submitters: PubMed 17576681 (cited by Labcorp Genetics (formerly Invitae), Labcorp); PubMed 9536098 (cited by Labcorp Genetics (formerly Invitae), Labcorp); PubMed 26183056 (cited by Labcorp Genetics (formerly Invitae), Labcorp and Ambry Genetics).